The following is an entry in ClinVar:

ClinVar aggregate classification (germline): Benign (0 of 4 stars; one submission).

Conditions:
PHF12-related disorder. Also called: PHF12-related condition.

Allele frequency attached by ClinVar (database versions not stated): gnomAD exomes 0.00020; ExAC 0.00084; gnomAD 0.00210; TOPMed 0.00216; 1000 Genomes Project 30x 0.00312; 1000 Genomes Project 0.00339.
gnomAD v4.1: 593 of 1,500,378 alleles (0.04%); highest among the groups gnomAD compares: African/African-American, 0.73%; 2 homozygotes.

Submission:

PreventionGenetics, part of Exact Sciences
Classification: Benign for PHF12-related condition. Last evaluated: 2020-04-29. Review status: no assertion criteria provided. Collection method: clinical testing. Allele origin: germline.
Comment: This variant is classified as benign based on ACMG/AMP sequence variant interpretation guidelines (Richards et al. 2015 PMID: 25741868, with internal and published modifications).

NM_001033561.2(PHF12):c.2359+107C>T

Gene: PHF12 (PHD finger protein 12; minus strand). Cytogenetic location: 17q11.2.
Variant type: single nucleotide variant.
Coding change: c.2359+107C>T on transcript NM_001033561.2 (MANE Select); 107 bases into the intron after coding-DNA position 2359, C replaced by T.
Molecular consequence: intron variant. On other transcripts: synonymous variant (1).
Genome position (GRCh38, 1-based): chr17:28,910,119, G>A on the plus strand (C>T on the coding strand, the complement: PHF12 is on the minus strand). VCF-style: chr17-28910119-G-A. GRCh37 (hg19) VCF-style: chr17-27237137-G-A.
Other names: c.2466C>T, p.Ser822= (NM_001290131.2).
Identifiers: ClinVar variation 3046281 (VCV003046281.2), dbSNP rs138544376, ClinGen allele CA8469841.